The following is an entry in ClinVar:

ClinVar aggregate classification (germline): Likely benign. Review status: criteria provided, multiple submitters, no conflicts (2 of 4 stars). 2 submissions from 2 submitters: Likely benign (2). Last evaluated 2025-07-21.

Conditions:
Ehlers-Danlos syndrome, classic type, 1 (EDSCL1). Also called: Ehlers-Danlos Syndrome, Classic Type, COL5A1-Related; EDS I; Ehlers-Danlos syndrome, type 1; EHLERS-DANLOS SYNDROME, GRAVIS TYPE; EHLERS-DANLOS SYNDROME, SEVERE CLASSIC TYPE. Identifiers: MedGen C0268335, MONDO:0019567, OMIM 130000.

Allele frequency attached by ClinVar (database versions not stated): ExAC 0.00007; gnomAD 0.00001; gnomAD exomes 0.00003 and 0.00005; TOPMed below 0.00001.
gnomAD v4.1: 40 of 1,614,042 alleles (0.0025%); highest among the groups gnomAD compares: South Asian, 0.037%; no homozygotes.

Submissions (2):

Labcorp Genetics (formerly Invitae), Labcorp
Classification: Likely benign for Ehlers-Danlos syndrome, classic type, 1. Last evaluated: 2025-07-21. Review status: criteria provided, single submitter. Criteria: Invitae Variant Classification Sherloc (09022015). Collection method: clinical testing. Allele origin: germline.

GeneDx
Classification: Likely benign. Last evaluated: 2018-01-18. Review status: criteria provided, single submitter. Criteria: GeneDx Variant Classification (06012015). Collection method: clinical testing. Allele origin: germline. Affected: yes.
Comment: This variant is considered likely benign or benign based on one or more of the following criteria: it is a conservative change, it occurs at a poorly conserved position in the protein, it is predicted to be benign by multiple in silico algorithms, and/or has population frequency not consistent with disease.

NM_000093.5(COL5A1):c.4609-18G>A

Genes: COL5A1 (collagen type V alpha 1 chain; plus strand), LOC101448202 (uncharacterized LOC101448202; minus strand). Cytogenetic location: 9q34.3.
Variant type: single nucleotide variant.
Coding change: c.4609-18G>A on transcript NM_000093.5 (MANE Select); 18 bases into the intron before coding-DNA position 4609, G replaced by A.
Molecular consequence: intron variant.
Genome position (GRCh38, 1-based): chr9:134,822,980, G>A. VCF-style: chr9-134822980-G-A. GRCh37 (hg19) VCF-style: chr9-137714826-G-A.
Other names: c.4609-18G>A (NM_001278074.1).
Identifiers: ClinVar variation 514846 (VCV000514846.6), dbSNP rs759466196, ClinGen allele CA5320381.